The following is an entry in ClinVar:

ClinVar aggregate classification (germline): Uncertain significance (1 of 4 stars; one submission).

Submission:

Labcorp Genetics (formerly Invitae), Labcorp
Classification: Uncertain significance. Last evaluated: 2021-05-13. Review status: criteria provided, single submitter. Criteria: Invitae Variant Classification Sherloc (09022015). Collection method: clinical testing. Allele origin: germline.
Comment: This sequence change replaces proline with arginine at codon 129 of the SEPT9 protein (p.Pro129Arg). The proline residue is moderately conserved and there is a moderate physicochemical difference between proline and arginine. This variant is not present in population databases (ExAC no frequency). This variant has not been reported in the literature in individuals with SEPT9-related conditions. Algorithms developed to predict the effect of missense changes on protein structure and function are either unavailable or do not agree on the potential impact of this missense change (SIFT: "Tolerated"; PolyPhen-2: "Probably Damaging"; Align-GVGD: "Class C0"). In summary, the available evidence is currently insufficient to determine the role of this variant in disease. Therefore, it has been classified as a Variant of Uncertain Significance.

NM_001113491.2(SEPTIN9):c.440C>G (p.Pro147Arg)

Gene: SEPTIN9 (septin 9; plus strand). Cytogenetic location: 17q25.3.
Variant type: single nucleotide variant.
Coding change: c.440C>G on transcript NM_001113491.2 (MANE Select); coding-DNA position 440, C replaced by G.
Protein change: p.Pro147Arg; replaces proline 147 with arginine.
Molecular consequence: missense variant. On other transcripts: 5 prime UTR variant (2).
Genome position (GRCh38, 1-based): chr17:77,402,422, C>G. VCF-style: chr17-77402422-C-G. GRCh37 (hg19) VCF-style: chr17-75398504-C-G.
Other names: c.-53C>G (NM_001113492.2, NM_001113494.1); c.419C>G, p.Pro140Arg (NM_001113493.2); c.383C>G, p.Pro128Arg (NM_001293695.2); c.386C>G, p.Pro129Arg (NM_006640.5); short protein forms P128R, P129R, P140R, P147R.
Identifiers: ClinVar variation 1682604 (VCV001682604.7), dbSNP rs1307150824, ClinGen allele CA401206170.